The following is an entry in ClinVar:

ClinVar aggregate classification (germline): Uncertain significance (1 of 4 stars; one submission).

Conditions:
Autoimmune lymphoproliferative syndrome type 2A (ALPS2A). Also called: Autoimmune lymphoproliferative syndrome type 2; CASP10-Related Autoimmune Lymphoproliferative Syndrome; AUTOIMMUNE LYMPHOPROLIFERATIVE SYNDROME, TYPE IIA. Identifiers: Orphanet 3261, MedGen C1858968, MONDO:0011383, OMIM 603909.

Allele frequency attached by ClinVar (database versions not stated): gnomAD exomes below 0.00001.
gnomAD v4.1: 1 of 1,586,420 alleles (0.000063%); highest among the groups gnomAD compares: Admixed American, 0.0018%; no homozygotes.

Submission:

Labcorp Genetics (formerly Invitae), Labcorp
Classification: Uncertain significance for Autoimmune lymphoproliferative syndrome type 2A. Last evaluated: 2023-06-20. Review status: criteria provided, single submitter. Criteria: Invitae Variant Classification Sherloc (09022015). Collection method: clinical testing. Allele origin: germline.
Comment: Advanced modeling of protein sequence and biophysical properties (such as structural, functional, and spatial information, amino acid conservation, physicochemical variation, residue mobility, and thermodynamic stability) performed at Invitae indicates that this missense variant is not expected to disrupt CASP10 protein function. This variant has not been reported in the literature in individuals affected with CASP10-related conditions. This variant is not present in population databases (gnomAD no frequency). This sequence change replaces serine, which is neutral and polar, with asparagine, which is neutral and polar, at codon 311 of the CASP10 protein (p.Ser311Asn). In summary, the available evidence is currently insufficient to determine the role of this variant in disease. Therefore, it has been classified as a Variant of Uncertain Significance.

NM_032977.4(CASP10):c.932G>A (p.Ser311Asn)

Gene: CASP10 (caspase 10; plus strand). Cytogenetic location: 2q33.1.
Variant type: single nucleotide variant.
Coding change: c.932G>A on transcript NM_032977.4 (MANE Select); coding-DNA position 932, G replaced by A.
Protein change: p.Ser311Asn; replaces serine 311 with asparagine.
Molecular consequence: missense variant. On other transcripts: 3 prime UTR variant (1).
Genome position (GRCh38, 1-based): chr2:201,209,079, G>A. VCF-style: chr2-201209079-G-A. GRCh37 (hg19) VCF-style: chr2-202073802-G-A.
Other names: c.731G>A, p.Ser244Asn (NM_001206524.2); c.803G>A, p.Ser268Asn (NM_001206542.2, NM_001230.5); c.932G>A, p.Ser311Asn (NM_032974.5); c.*18G>A (NM_032976.4); short protein forms S268N, S244N, S311N.
Identifiers: ClinVar variation 2928083 (VCV002928083.3), dbSNP rs2469445826, ClinGen allele CA350287764.